The following is an entry in ClinVar:

NM_015378.4(VPS13D):c.7743T>C (p.Asn2581=)

Gene: VPS13D (vacuolar protein sorting 13 homolog D; plus strand). Cytogenetic location: 1p36.22.
Variant type: single nucleotide variant.
Coding change: c.7743T>C on transcript NM_015378.4 (MANE Select); coding-DNA position 7743, T replaced by C.
Protein change: p.Asn2581=; no amino-acid change (asparagine 2581 retained).
Molecular consequence: synonymous variant.
Genome position (GRCh38, 1-based): chr1:12,322,574, T>C. VCF-style: chr1-12322574-T-C. GRCh37 (hg19) VCF-style: chr1-12382631-T-C.
Other names: p.Asn2581=; c.7743T>C, p.Asn2581= (NM_018156.4).
Identifiers: ClinVar variation 777321 (VCV000777321.13), dbSNP rs7519341, ClinGen allele CA602921.
Genomic context (GRCh38, chr1:12,322,574, plus strand): 5'-TACCTTTTTTACATTTTGTTAGATTCAGTTACAAGCCCTGGATATCAGACTCTCCTATAA[T>C]GATGTTCAGCTGTTTCTTGCCATTGCAAAATCCATCCCAGAGCAAGCTAATGCTGCAGTG-3'
Protein context (NP_056193.2, residues 2571-2591): LQALDIRLSY[Asn2581=]DVQLFLAIAK

ClinVar aggregate classification (germline): Benign. Review status: criteria provided, multiple submitters, no conflicts (2 of 4 stars). 3 submissions from 3 submitters: Benign (2). 1 of the submissions does not count toward it. Last evaluated 2026-01-28.

Conditions:
VPS13D-related disorder. Also called: VPS13D-related condition.

Allele frequency attached by ClinVar (database versions not stated): gnomAD exomes 0.00239 and 0.00081; ExAC 0.00292; 1000 Genomes Project 0.00859; gnomAD 0.00881 and 0.00954; 1000 Genomes Project 30x 0.00921; TOPMed 0.00977; ESP Exome Variant Server 0.01023.
gnomAD v4.1: 2,574 of 1,614,246 alleles (0.16%); highest among the groups gnomAD compares: African/African-American, 3.1%; 47 homozygotes.

Submissions (3):

Labcorp Genetics (formerly Invitae), Labcorp
Classification: Benign. Last evaluated: 2026-01-28. Review status: criteria provided, single submitter. Criteria: Invitae Variant Classification Sherloc (09022015). Collection method: clinical testing. Allele origin: germline.

Mayo Clinic Laboratories, Mayo Clinic
Classification: Benign. Last evaluated: 2024-01-31. Review status: criteria provided, single submitter. Criteria: ACMG Guidelines, 2015. Collection method: clinical testing. Allele origin: germline. Observed: 5 variant alleles.
Comment: BS1, BS2, BP4

PreventionGenetics, part of Exact Sciences
Classification: Benign for VPS13D-related condition. Last evaluated: 2019-04-11. Review status: no assertion criteria provided. Collection method: clinical testing. Allele origin: germline. Not counted in ClinVar's aggregate classification.
Comment: This variant is classified as benign based on ACMG/AMP sequence variant interpretation guidelines (Richards et al. 2015 PMID: 25741868, with internal and published modifications).